The following is an entry in ClinVar:

NM_080473.5(GATA5):c.1153dup (p.Ala385fs)

Gene: GATA5 (GATA binding protein 5; minus strand). Cytogenetic location: 20q13.33.
Variant type: Duplication.
Coding change: c.1153dup on transcript NM_080473.5 (MANE Select); coding-DNA position 1153, one base duplicated (G; older notation c.1153dupG).
Protein change: p.Ala385fs; shifts the reading frame from alanine 385.
Molecular consequence: frameshift variant.
Genome position (GRCh38, 1-based): chr20:62,464,877, C duplicated on the plus strand (G on the coding strand, the reverse complement: GATA5 is on the minus strand); the first of 6 consecutive C bases (chr20:62,464,877-62,464,882); duplicating any one gives the same sequence. VCF-style (leftmost placement, unchanged base first): chr20-62464876-G-GC. GRCh37 (hg19) VCF-style: chr20-61039932-G-GC.
Other names: short protein forms A385fs.
Identifiers: ClinVar variation 2834065 (VCV002834065.3), dbSNP rs782541275, ClinGen allele CA9946018.
Genomic context (GRCh38, chr20:62,464,876, plus strand): 5'-ACATGGGCTGGCCTGGGGACCTAGGCCAAGGCCAGCGCACACCAGGCCTCTTGGCGCAGA[G>GC]CCCCCCTGAGGCCAGCCTGGGGGCTTGGGGCCGTGGAGGGGAAGGCAAAGTCCTCAGGCT-3'

ClinVar aggregate classification (germline): Uncertain significance (1 of 4 stars; one submission).

Submission:

Labcorp Genetics (formerly Invitae), Labcorp
Classification: Uncertain significance. Last evaluated: 2024-05-20. Review status: criteria provided, single submitter. Criteria: Invitae Variant Classification Sherloc (09022015). Collection method: clinical testing. Allele origin: germline.
Comment: This sequence change results in a frameshift in the GATA5 gene (p.Ala385Glyfs*32). While this is not anticipated to result in nonsense mediated decay, it is expected to disrupt the last 13 amino acid(s) of the GATA5 protein and extend the protein by 18 additional amino acid residues. The frequency data for this variant in the population databases is considered unreliable, as metrics indicate poor data quality at this position in the gnomAD database. This variant has not been reported in the literature in individuals affected with GATA5-related conditions. In summary, the available evidence is currently insufficient to determine the role of this variant in disease. Therefore, it has been classified as a Variant of Uncertain Significance.